The following is an entry in ClinVar:

ClinVar aggregate classification (germline): Uncertain significance. Review status: criteria provided, multiple submitters, no conflicts (2 of 4 stars). 3 submissions from 3 submitters: Uncertain significance (3). Last evaluated 2025-08-04.

gnomAD v4.1: 22 of 1,614,082 alleles (0.0014%); highest among the groups gnomAD compares: Admixed American, 0.022%; no homozygotes.

Submissions (3):

Ambry Genetics
Classification: Uncertain significance. Last evaluated: 2025-08-04. Review status: criteria provided, single submitter. Criteria: Ambry Variant Classification Scheme 2023. Collection method: clinical testing. Allele origin: germline.

Blueprint Genetics
Classification: Uncertain significance. Last evaluated: 2024-07-03. Review status: criteria provided, single submitter. Criteria: ACMG Guidelines, 2015. Collection method: clinical testing. Allele origin: germline.

Labcorp Genetics (formerly Invitae), Labcorp
Classification: Uncertain significance. Last evaluated: 2022-10-17. Review status: criteria provided, single submitter. Criteria: Invitae Variant Classification Sherloc (09022015). Collection method: clinical testing. Allele origin: germline.
Comment: This sequence change replaces methionine, which is neutral and non-polar, with valine, which is neutral and non-polar, at codon 261 of the SERPINB6 protein (p.Met261Val). This variant is present in population databases (rs754009164, gnomAD 0.03%). This variant has not been reported in the literature in individuals affected with SERPINB6-related conditions. ClinVar contains an entry for this variant (Variation ID: 1430474). Advanced modeling of protein sequence and biophysical properties (such as structural, functional, and spatial information, amino acid conservation, physicochemical variation, residue mobility, and thermodynamic stability) performed at Invitae indicates that this missense variant is not expected to disrupt SERPINB6 protein function. In summary, the available evidence is currently insufficient to determine the role of this variant in disease. Therefore, it has been classified as a Variant of Uncertain Significance.

NM_004568.6(SERPINB6):c.781A>G (p.Met261Val)

Gene: SERPINB6 (serpin family B member 6; minus strand). Cytogenetic location: 6p25.2.
Variant type: single nucleotide variant.
Coding change: c.781A>G on transcript NM_004568.6 (MANE Select); coding-DNA position 781, A replaced by G.
Protein change: p.Met261Val; replaces methionine 261 with valine.
Molecular consequence: missense variant. On other transcripts: non-coding transcript variant (1).
Genome position (GRCh38, 1-based): chr6:2,948,648, T>C on the plus strand (A>G on the coding strand, the complement: SERPINB6 is on the minus strand). VCF-style: chr6-2948648-T-C. GRCh37 (hg19) VCF-style: chr6-2948882-T-C.
Other names: c.793A>G, p.Met265Val (NM_001195291.3, NM_001374515.1); c.823A>G, p.Met275Val (NM_001271822.2); c.838A>G, p.Met280Val (NM_001271823.2); c.781A>G, p.Met261Val (NM_001271824.2, NM_001271825.2, NM_001297699.2 and 2 more transcripts); c.649A>G, p.Met217Val (NM_001374517.1); c.781A>G (NM_004568.5); short protein forms M217V, M280V, M261V, M275V, M265V.
Identifiers: ClinVar variation 1430474 (VCV001430474.8), dbSNP rs754009164, ClinGen allele CA3617415.